The following is an entry in ClinVar:

NM_001034850.3(RETREG1):c.76_81dup (p.Ser26_Pro27dup)

Genes: RETREG1 (reticulophagy regulator 1; minus strand), RETREG1-AS1 (RETREG1 antisense RNA 1; plus strand), LOC129993734 (ATAC-STARR-seq lymphoblastoid silent region 15947; plus strand). Cytogenetic location: 5p15.1.
Variant type: Duplication.
Coding change: c.76_81dup on transcript NM_001034850.3 (MANE Select); coding-DNA positions 76 to 81, 6 bases duplicated (TCGCCG; older notation c.76_81dupTCGCCG).
Protein change: p.Ser26_Pro27dup.
Molecular consequence: inframe insertion.
Genome position (GRCh38, 1-based): chr5:16,616,891-16,616,896, CGGCGA duplicated on the plus strand (TCGCCG on the coding strand, the reverse complement: RETREG1 is on the minus strand); duplicating any 6 consecutive bases within chr5:16,616,891-16,616,901 gives the same sequence; the c. name uses the placement nearest the transcript's 3' end. VCF-style (leftmost placement, unchanged base first): chr5-16616890-G-GCGGCGA. GRCh37 (hg19) VCF-style: chr5-16616999-G-GCGGCGA.
Identifiers: ClinVar variation 352696 (VCV000352696.6), dbSNP rs886060397, ClinGen allele CA10621261.

ClinVar aggregate classification (germline): Uncertain significance (1 of 4 stars; one submission).

Submission:

Labcorp Genetics (formerly Invitae), Labcorp
Classification: Uncertain significance. Last evaluated: 2022-01-26. Review status: criteria provided, single submitter. Criteria: Invitae Variant Classification Sherloc (09022015). Collection method: clinical testing. Allele origin: germline.
Comment: This variant, c.76_81dup, results in the insertion of 2 amino acid(s) of the RETREG1 protein (p.Ser26_Pro27dup), but otherwise preserves the integrity of the reading frame. This variant is not present in population databases (gnomAD no frequency). This variant has not been reported in the literature in individuals affected with RETREG1-related conditions. ClinVar contains an entry for this variant (Variation ID: 352696). In summary, the available evidence is currently insufficient to determine the role of this variant in disease. Therefore, it has been classified as a Variant of Uncertain Significance.